The following is an entry in ClinVar:

NM_001379451.1(BCORL1):c.2949G>C (p.Lys983Asn)

Gene: BCORL1 (BCL6 corepressor like 1; plus strand). Cytogenetic location: Xq26.1.
Variant type: single nucleotide variant.
Coding change: c.2949G>C on transcript NM_001379451.1 (MANE Select); coding-DNA position 2949, G replaced by C.
Protein change: p.Lys983Asn; replaces lysine 983 with asparagine.
Molecular consequence: missense variant.
Genome position (GRCh38, 1-based): chrX:130,015,721, G>C. VCF-style: chrX-130015721-G-C. GRCh37 (hg19) VCF-style: chrX-129149697-G-C.
Other names: c.2949G>C, p.Lys983Asn (NM_001184772.3, NM_001379450.1, NM_001441326.1 and 7 more transcripts); short protein forms K983N.
Identifiers: ClinVar variation 4882428 (VCV004882428.3).

ClinVar aggregate classification (germline): Uncertain significance. Review status: criteria provided, multiple submitters, no conflicts (2 of 4 stars). 2 submissions from 2 submitters: Uncertain significance (2). Last evaluated 2026-04-14.

Conditions:
Shukla-Vernon syndrome. Identifiers: MedGen C5193146, MONDO:0026727, OMIM 301029.

gnomAD v4.1: 1 of 1,210,380 alleles (0.000083%); highest among the groups gnomAD compares: Admixed American, 0.0022%; no homozygotes.

Submissions (2):

GeneDx
Classification: Uncertain significance. Last evaluated: 2026-04-14. Review status: criteria provided, single submitter. Criteria: GeneDx Variant Classification Process June 2021. Collection method: clinical testing. Allele origin: germline.
Comment: Not observed at significant frequency in large population cohorts (gnomAD); In silico analysis suggests that this missense variant does not alter protein structure/function; Has not been previously published as pathogenic or benign to our knowledge

Dasa
Classification: Uncertain significance for Shukla-Vernon syndrome. Last evaluated: 2025-09-19. Review status: criteria provided, single submitter. Criteria: DASA Assertion Criteria. Collection method: clinical testing. Allele origin: germline.
Comment: NM_001379451.1(BCORL1):c.2949G>C (p.Lys983Asn) is a missense variant that results in the substitution of lysine with asparagine. This variant is rare in population databases. Computational prediction algorithms are consistent with a benign effect. The currently available literature and clinical evidence are not sufficient to establish a definitive association between this variant and the reported condition. Therefore, this variant is classified as a variant of uncertain significance.